The following is an entry in ClinVar:

ClinVar aggregate classification (germline): Likely benign. Review status: criteria provided, multiple submitters, no conflicts (2 of 4 stars). 6 submissions from 6 submitters: Likely benign (5). 1 of the submissions does not count toward it. Last evaluated 2025-07-06.

Conditions:
Hereditary pancreatitis (PCTT). Also called: Hereditary chronic pancreatitis; PRSS1-Related Hereditary Pancreatitis. Identifiers: Orphanet 676, MedGen C0238339, MONDO:0008185, OMIM 167800.
CTRC-related disorder. Also called: CTRC-related condition.

Allele frequency attached by ClinVar (database versions not stated): ExAC 0.00008; gnomAD exomes 0.00011; ESP Exome Variant Server 0.00015; TOPMed 0.00018; gnomAD 0.00019.
gnomAD v4.1: 129 of 1,614,076 alleles (0.008%); highest among the groups gnomAD compares: Middle Eastern, 0.049%; no homozygotes.

Submissions (6):

Labcorp Genetics (formerly Invitae), Labcorp
Classification: Likely benign for Hereditary pancreatitis. Last evaluated: 2025-07-06. Review status: criteria provided, single submitter. Criteria: Invitae Variant Classification Sherloc (09022015). Collection method: clinical testing. Allele origin: germline.

ARUP Laboratories, Molecular Genetics and Genomics, ARUP Laboratories
Classification: Likely benign for Hereditary pancreatitis. Last evaluated: 2025-02-27. Review status: criteria provided, single submitter. Criteria: ARUP Molecular Germline Variant Investigation Process 2024. Collection method: clinical testing. Allele origin: germline.

Sema4
Classification: Likely benign for Hereditary pancreatitis. Last evaluated: 2021-03-23. Review status: criteria provided, single submitter. Criteria: Sema4 Curation Guidelines. Collection method: curation. Allele origin: germline.

Illumina Laboratory Services, Illumina
Classification: Likely benign for Hereditary pancreatitis. Last evaluated: 2018-01-13. Review status: criteria provided, single submitter. Criteria: ICSL Variant Classification Criteria 13 December 2019. Collection method: clinical testing. Allele origin: germline.
Comment: This variant was observed in the ICSL laboratory as part of a predisposition screen in an ostensibly healthy population. It had not been previously curated by ICSL or reported in the Human Gene Mutation Database (HGMD: prior to June 1st, 2018), and was therefore a candidate for classification through an automated scoring system. Utilizing variant allele frequency, disease prevalence and penetrance estimates, and inheritance mode, an automated score was calculated to assess if this variant is too frequent to cause the disease. Based on the score and internal cut-off values, a variant classified as likely benign is not then subjected to further curation. The score for this variant resulted in a classification of likely benign for this disease.

Ambry Genetics
Classification: Likely benign for Hereditary pancreatitis. Last evaluated: 2016-05-04. Review status: criteria provided, single submitter. Criteria: Ambry Variant Classification Scheme 2023. Collection method: clinical testing. Allele origin: germline.

PreventionGenetics, part of Exact Sciences
Classification: Likely benign for CTRC-related condition. Last evaluated: 2019-11-12. Review status: no assertion criteria provided. Collection method: clinical testing. Allele origin: germline. Not counted in ClinVar's aggregate classification.
Comment: This variant is classified as likely benign based on ACMG/AMP sequence variant interpretation guidelines (Richards et al. 2015 PMID: 25741868, with internal and published modifications).

NM_007272.3(CTRC):c.216C>T (p.Ala72=)

Gene: CTRC (chymotrypsin C; plus strand). Cytogenetic location: 1p36.21.
Variant type: single nucleotide variant.
Coding change: c.216C>T on transcript NM_007272.3 (MANE Select); coding-DNA position 216, C replaced by T.
Protein change: p.Ala72=; no amino-acid change (alanine 72 retained).
Molecular consequence: synonymous variant.
Genome position (GRCh38, 1-based): chr1:15,440,576, C>T. VCF-style: chr1-15440576-C-T. GRCh37 (hg19) VCF-style: chr1-15767072-C-T.
Identifiers: ClinVar variation 292909 (VCV000292909.24), dbSNP rs140059353, ClinGen allele CA613262.